The following is an entry in ClinVar:

NM_005559.4(LAMA1):c.1492C>T (p.Arg498Trp)

Genes: LAMA1 (laminin subunit alpha 1; minus strand), LOC112543434 (P300/CBP strongly-dependent group 1 enhancer GRCh37_chr18:7038146-7039345; plus strand). Cytogenetic location: 18p11.31.
Variant type: single nucleotide variant.
Coding change: c.1492C>T on transcript NM_005559.4 (MANE Select); coding-DNA position 1492, C replaced by T.
Protein change: p.Arg498Trp; replaces arginine 498 with tryptophan.
Molecular consequence: missense variant.
Genome position (GRCh38, 1-based): chr18:7,038,881, G>A on the plus strand (C>T on the coding strand, the complement: LAMA1 is on the minus strand). VCF-style: chr18-7038881-G-A. GRCh37 (hg19) VCF-style: chr18-7038880-G-A.
Other names: short protein forms R498W.
Identifiers: ClinVar variation 4623312 (VCV004623312.1).

ClinVar aggregate classification (germline): Uncertain significance (1 of 4 stars; one submission).

Conditions:
Inborn genetic diseases. Identifiers: MedGen C0950123, MeSH D030342.

Submission:

Ambry Genetics
Classification: Uncertain significance for Inborn genetic diseases. Last evaluated: 2025-10-28. Review status: criteria provided, single submitter. Criteria: Ambry Variant Classification Scheme 2023. Collection method: clinical testing. Allele origin: germline.
Comment: The c.1492C>T (p.R498W) alteration is located in exon 11 (coding exon 11) of the LAMA1 gene. This alteration results from a C to T substitution at nucleotide position 1492, causing the arginine (R) at amino acid position 498 to be replaced by a tryptophan (W). Based on data from gnomAD, the T allele has an overall frequency of 0.001% (2/282702) total alleles studied. The highest observed frequency was 0.002% (2/129114) of European (non-Finnish) alleles. Based on insufficient or conflicting evidence, the clinical significance of this alteration remains unclear.